The following is an entry in ClinVar:

ClinVar aggregate classification (germline): Uncertain significance (1 of 4 stars; one submission).

Conditions:
Hereditary cancer-predisposing syndrome. Also called: Neoplastic Syndromes, Hereditary; Tumor predisposition; Hereditary neoplastic syndrome; Hereditary Cancer Syndrome. Identifiers: Orphanet 140162, MedGen C0027672, MeSH D009386, MONDO:0015356.

Submission:

Ambry Genetics
Classification: Uncertain significance for Hereditary cancer-predisposing syndrome. Last evaluated: 2018-06-01. Review status: criteria provided, single submitter. Criteria: Ambry Variant Classification Scheme 2023. Collection method: clinical testing. Allele origin: germline.
Comment: The p.L1282P variant (also known as c.3845T>C), located in coding exon 25 of the ATM gene, results from a T to C substitution at nucleotide position 3845. The leucine at codon 1282 is replaced by proline, an amino acid with similar properties. This amino acid position is well conserved in available vertebrate species. In addition, this alteration is predicted to be deleterious by in silico analysis. Since supporting evidence is limited at this time, the clinical significance of this alteration remains unclear.

NM_000051.4(ATM):c.3845T>C (p.Leu1282Pro)

Gene: ATM (ATM serine/threonine kinase; plus strand). Cytogenetic location: 11q22.3.
Variant type: single nucleotide variant.
Coding change: c.3845T>C on transcript NM_000051.4 (MANE Select); coding-DNA position 3845, T replaced by C.
Protein change: p.Leu1282Pro; replaces leucine 1282 with proline.
Molecular consequence: missense variant.
Genome position (GRCh38, 1-based): chr11:108,284,325, T>C. VCF-style: chr11-108284325-T-C. GRCh37 (hg19) VCF-style: chr11-108155052-T-C.
Other names: c.3845T>C, p.Leu1282Pro (NM_001351834.2); short protein forms L1282P.
Identifiers: ClinVar variation 824292 (VCV000824292.4), dbSNP rs1591645828, ClinGen allele CA382525158.